The following is an entry in ClinVar:

NM_001723.7(DST):c.7512G>T (p.Leu2504Phe)

Gene: DST (dystonin; minus strand). Cytogenetic location: 6p12.1.
Variant type: single nucleotide variant.
Coding change: c.7512G>T on transcript NM_001723.7 (MANE Plus Clinical); coding-DNA position 7512, G replaced by T.
Protein change: p.Leu2504Phe; replaces leucine 2504 with phenylalanine.
Molecular consequence: missense variant. On other transcripts: intron variant (10).
Genome position (GRCh38, 1-based): chr6:56,615,955, C>A on the plus strand (G>T on the coding strand, the complement: DST is on the minus strand). VCF-style: chr6-56615955-C-A. GRCh37 (hg19) VCF-style: chr6-56480753-C-A.
Other names: c.4831-1471G>T (NM_001144769.5); c.4930-1471G>T (NM_001374722.1, NM_001374736.1); c.4957-1471G>T (NM_001374734.1); c.4417-1471G>T (NM_001144770.2); c.4297-1471G>T (NM_001374730.1, NM_001386100.1, NM_183380.4 and 1 more transcripts); c.3319-1471G>T (NM_015548.5); short protein forms L2504F.
Identifiers: ClinVar variation 1010924 (VCV001010924.9), dbSNP rs2098611126, ClinGen allele CA364562844.
Genomic context (GRCh38, chr6:56,615,955, plus strand): 5'-GATTACTAATTCACACTGTCGCAGCTGCTGGGCAAACCCCTCATCAACCAGGCCTCTATG[C>A]AAAGCTTCGGCCACCCGGTACTTTTTGCCAGTAAGAGGATCAATTATGCCCCCTGTACTG-3'
Protein context (NP_001714.1, residues 2494-2514): TGKKYRVAEA[Leu2504Phe]HRGLVDEGFA

ClinVar aggregate classification (germline): Uncertain significance (1 of 4 stars; one submission).

Conditions:
Epidermolysis bullosa simplex 3, localized or generalized intermediate, with BP230 deficiency (EBS3). Also called: Epidermolysis bullosa simplex due to BP230 deficiency; Epidermolysis bullosa simplex, autosomal recessive 2. Identifiers: Orphanet 412181, MedGen C3809470, MONDO:0014180, OMIM 615425.
Hereditary sensory and autonomic neuropathy type 6. Also called: HSAN VI; Neuropathy, hereditary sensory and autonomic, type VI. Identifiers: Orphanet 314381, MedGen C3539003, MONDO:0013839, OMIM 614653.

Submission:

Labcorp Genetics (formerly Invitae), Labcorp
Classification: Uncertain significance for Epidermolysis bullosa simplex 3, localized or generalized intermediate, with BP230 deficiency; Hereditary sensory and autonomic neuropathy type 6. Last evaluated: 2023-08-24. Review status: criteria provided, single submitter. Criteria: Invitae Variant Classification Sherloc (09022015). Collection method: clinical testing. Allele origin: germline.
Comment: This sequence change replaces leucine, which is neutral and non-polar, with phenylalanine, which is neutral and non-polar, at codon 2504 of the DST protein (p.Leu2504Phe). This variant is not present in population databases (gnomAD no frequency). This variant has not been reported in the literature in individuals affected with DST-related conditions. ClinVar contains an entry for this variant (Variation ID: 1010924). An algorithm developed to predict the effect of missense changes on protein structure and function (PolyPhen-2) suggests that this variant is likely to be disruptive. In summary, the available evidence is currently insufficient to determine the role of this variant in disease. Therefore, it has been classified as a Variant of Uncertain Significance.